The following is an entry in ClinVar:

NM_012186.3(FOXE3):c.310C>A (p.Arg104Ser)

Genes: FOXE3 (forkhead box E3; plus strand), LINC01389 (long independently transcribed non-coding RNA 1389; minus strand). Cytogenetic location: 1p33.
Variant type: single nucleotide variant.
Coding change: c.310C>A on transcript NM_012186.3 (MANE Select); coding-DNA position 310, C replaced by A.
Protein change: p.Arg104Ser; replaces arginine 104 with serine.
Molecular consequence: missense variant.
Genome position (GRCh38, 1-based): chr1:47,416,625, C>A. VCF-style: chr1-47416625-C-A. GRCh37 (hg19) VCF-style: chr1-47882297-C-A.
Other names: short protein forms R104S.
Identifiers: ClinVar variation 2951169 (VCV002951169.3), dbSNP rs755377651, ClinGen allele CA340249499.

ClinVar aggregate classification (germline): Uncertain significance (1 of 4 stars; one submission).

Conditions:
Anterior segment dysgenesis. Also called: Ocular anterior segment dysgenesis. Identifiers: Orphanet 88632, MedGen C1862839, MONDO:0019503, HP:0007700.
Congenital primary aphakia. Also called: Anterior segment dysgenesis 2, multiple subtypes; ANTERIOR SEGMENT DYSGENESIS 2. Identifiers: Orphanet 83461, MedGen C1853230, MONDO:0012456, OMIM 610256.

Submission:

Labcorp Genetics (formerly Invitae), Labcorp
Classification: Uncertain significance for Anterior segment dysgenesis; Congenital primary aphakia. Last evaluated: 2023-08-22. Review status: criteria provided, single submitter. Criteria: Invitae Variant Classification Sherloc (09022015). Collection method: clinical testing. Allele origin: germline.
Comment: This variant has not been reported in the literature in individuals affected with FOXE3-related conditions. In summary, the available evidence is currently insufficient to determine the role of this variant in disease. Therefore, it has been classified as a Variant of Uncertain Significance. Advanced modeling of protein sequence and biophysical properties (such as structural, functional, and spatial information, amino acid conservation, physicochemical variation, residue mobility, and thermodynamic stability) has been performed at Invitae for this missense variant, however the output from this modeling did not meet the statistical confidence thresholds required to predict the impact of this variant on FOXE3 protein function. This variant is not present in population databases (gnomAD no frequency). This sequence change replaces arginine, which is basic and polar, with serine, which is neutral and polar, at codon 104 of the FOXE3 protein (p.Arg104Ser).